The following is an entry in ClinVar:

ClinVar aggregate classification (germline): Uncertain significance (1 of 4 stars; one submission).

Submission:

Labcorp Genetics (formerly Invitae), Labcorp
Classification: Uncertain significance. Last evaluated: 2025-10-25. Review status: criteria provided, single submitter. Criteria: Invitae Variant Classification Sherloc (09022015). Collection method: clinical testing. Allele origin: germline.
Comment: This sequence change replaces glutamic acid, which is acidic and polar, with aspartic acid, which is acidic and polar, at codon 519 of the MKL1 protein (p.Glu519Asp). This variant is not present in population databases (gnomAD no frequency). This variant has not been reported in the literature in individuals affected with MKL1-related conditions. An algorithm developed to predict the effect of missense changes on protein structure and function (PolyPhen-2) suggests that this variant is likely to be disruptive. In summary, the available evidence is currently insufficient to determine the role of this variant in disease. Therefore, it has been classified as a Variant of Uncertain Significance.

NM_020831.6(MRTFA):c.1857G>C (p.Glu619Asp)

Gene: MRTFA (myocardin related transcription factor A; minus strand). Cytogenetic location: 22q13.1.
Variant type: single nucleotide variant.
Coding change: c.1857G>C on transcript NM_020831.6 (MANE Select); coding-DNA position 1857, G replaced by C.
Protein change: p.Glu619Asp; replaces glutamic acid 619 with aspartic acid.
Molecular consequence: missense variant.
Genome position (GRCh38, 1-based): chr22:40,418,881, C>G on the plus strand (G>C on the coding strand, the complement: MRTFA is on the minus strand). VCF-style: chr22-40418881-C-G. GRCh37 (hg19) VCF-style: chr22-40814885-C-G.
Other names: c.1557G>C, p.Glu519Asp (NM_001282660.2); c.1707G>C, p.Glu569Asp (NM_001282661.3); c.1857G>C, p.Glu619Asp (NM_001282662.3); c.1662G>C, p.Glu554Asp (NM_001318139.2); short protein forms E519D, E569D, E619D, E554D.
Identifiers: ClinVar variation 4729440 (VCV004729440.1).
Genomic context (GRCh38, chr22:40,418,881, plus strand): 5'-GCGCGTCAGCGCCTCGATCTGCTTGTCTTTCTCCTGCAGCATCTGGTCCTTGTCGCGCCC[C>G]TCTAGCTCCGCCCGCCCCCCAGGGCTCAGGCAACAGGACCCGGCCCGGGGGCCCTCCTCC-3'
Protein context (NP_065882.2, residues 609-629): CLSPGGRAEL[Glu619Asp]GRDKDQMLQE